The following is an entry in ClinVar:

ClinVar aggregate classification (germline): Pathogenic (1 of 4 stars; one submission).

gnomAD v4.1: 1 of 1,285,692 alleles (0.000078%); highest among the groups gnomAD compares: Non-Finnish European, 0.000099%; no homozygotes.

Submission:

Labcorp Genetics (formerly Invitae), Labcorp
Classification: Pathogenic. Last evaluated: 2023-07-14. Review status: criteria provided, single submitter. Criteria: Invitae Variant Classification Sherloc (09022015). Collection method: clinical testing. Allele origin: germline.
Comment: This sequence change affects an acceptor splice site in intron 1 of the COL18A1 gene. It is expected to disrupt RNA splicing. Variants that disrupt the donor or acceptor splice site typically lead to a loss of protein function (PMID: 16199547), and loss-of-function variants in COL18A1 are known to be pathogenic (PMID: 12415512, 25456301). For these reasons, this variant has been classified as Pathogenic. Algorithms developed to predict the effect of sequence changes on RNA splicing suggest that this variant may disrupt the consensus splice site. ClinVar contains an entry for this variant (Variation ID: 2034040). Disruption of this splice site has been observed in individual(s) with clinical features of Knobloch syndrome (PMID: 10942434). It has also been observed to segregate with disease in related individuals. This variant is not present in population databases (gnomAD no frequency).

Literature cited by the submitters: PubMed 16199547; PubMed 12415512; PubMed 25456301; PubMed 10942434.

NM_001379500.1(COL18A1):c.12-1G>C

Genes: BNAT1 (breast cancer associated ESR1 regulating natural antisense transcript 1; minus strand), COL18A1 (collagen type XVIII alpha 1 chain; plus strand). Cytogenetic location: 21q22.3.
Variant type: single nucleotide variant.
Coding change: c.12-1G>C on transcript NM_001379500.1 (MANE Select); the canonical splice acceptor site of the intron before coding-DNA position 12, G replaced by C.
Molecular consequence: splice acceptor variant. On other transcripts: non-coding transcript variant (1).
Genome position (GRCh38, 1-based): chr21:45,405,378, G>C. VCF-style: chr21-45405378-G-C. GRCh37 (hg19) VCF-style: chr21-46825293-G-C.
Identifiers: ClinVar variation 2034040 (VCV002034040.4), dbSNP rs2517377176, ClinGen allele CA410620252.